The following is an entry in ClinVar:

ClinVar aggregate classification (germline): Likely benign. Review status: criteria provided, multiple submitters, no conflicts (2 of 4 stars). 2 submissions from 2 submitters: Likely benign (2). Last evaluated 2026-02-01.

Allele frequency attached by ClinVar (database versions not stated): TOPMed 0.00067; gnomAD 0.00073; ExAC 0.00084; ESP Exome Variant Server 0.00090; gnomAD exomes 0.00099.

Submissions (2):

CeGaT Center for Human Genetics Tuebingen
Classification: Likely benign. Last evaluated: 2026-02-01. Review status: criteria provided, single submitter. Criteria: CeGaT Center For Human Genetics Tuebingen Variant Classification Criteria Version 2. Collection method: clinical testing. Allele origin: germline. Affected: yes. Observed: 3 variant alleles.
Comment: KDM6B: PM4:Supporting, BS1

Blueprint Genetics
Classification: Likely benign. Last evaluated: 2024-11-22. Review status: criteria provided, single submitter. Criteria: ACMG Guidelines, 2015. Collection method: clinical testing. Allele origin: germline.

NM_001348716.2(KDM6B):c.2938_2940del (p.Gln980del)

Gene: KDM6B (lysine demethylase 6B; plus strand). Cytogenetic location: 17p13.1.
Variant type: Deletion.
Coding change: c.2938_2940del on transcript NM_001348716.2 (MANE Select); coding-DNA positions 2938 to 2940, 3 bases deleted (CAG; older notation c.2938_2940delCAG).
Protein change: p.Gln980del; deletes glutamine 980.
Molecular consequence: inframe deletion.
Genome position (GRCh38, 1-based): chr17:7,849,226-7,849,228, CAG deleted. VCF-style (leftmost placement, unchanged base first): chr17-7849225-TCAG-T. GRCh37 (hg19) VCF-style: chr17-7752543-TCAG-T.
Other names: c.2938_2940del, p.Gln980del (NM_001080424.2); short protein forms Q980del.
Identifiers: ClinVar variation 2647408 (VCV002647408.25), dbSNP rs147815183, ClinGen allele CA8361045.
Genomic context (GRCh38, chr17:7,849,225, plus strand): 5'-GGAGGAGGCTGGCGGGGTGGCGGCAGTGTCAGGCAGCTGTAAGCGGCGACAGAAGGAGCA[TCAG>T]AAGGAGCATCGGCGGCACAGGCGGGCCTGTAAGGACAGTGTGGGTCGTCGGCCCCGTGAG-3'